The following is an entry in ClinVar:

ClinVar aggregate classification (germline): Conflicting classifications of pathogenicity. Review status: criteria provided, conflicting classifications (1 of 4 stars). 4 submissions from 4 submitters: Uncertain significance (2); Likely benign (2). Last evaluated 2026-03-30.

Conditions:
SPTB-related disorder. Also called: SPTB-related condition; SPTB-Related Disorders.
Inborn genetic diseases. Identifiers: MedGen C0950123, MeSH D030342.

Allele frequency attached by ClinVar (database versions not stated): gnomAD exomes 0.00004; ExAC 0.00013; 1000 Genomes Project 30x 0.00031; 1000 Genomes Project 0.00040; ESP Exome Variant Server 0.00046; gnomAD 0.00052; TOPMed 0.00065.
gnomAD v4.1: 145 of 1,614,120 alleles (0.009%); highest among the groups gnomAD compares: African/African-American, 0.16%; no homozygotes.

Submissions (4):

PreventionGenetics, part of Exact Sciences
Classification: Likely benign for SPTB-related condition. Last evaluated: 2026-03-30. Review status: criteria provided, single submitter. Criteria: ACMG Guidelines, 2015. Collection method: clinical testing. Allele origin: germline.
Comment: This variant is classified as likely benign based on ACMG/AMP sequence variant interpretation guidelines (Richards et al. 2015 PMID: 25741868, with internal and published modifications).

Labcorp Genetics (formerly Invitae), Labcorp
Classification: Likely benign. Last evaluated: 2025-03-24. Review status: criteria provided, single submitter. Criteria: Invitae Variant Classification Sherloc (09022015). Collection method: clinical testing. Allele origin: germline.

Revvity Omics, Revvity
Classification: Uncertain significance. Last evaluated: 2024-08-29. Review status: criteria provided, single submitter. Criteria: ACMG Guidelines, 2015. Collection method: clinical testing. Allele origin: germline.

Ambry Genetics
Classification: Uncertain significance for Inborn genetic diseases. Last evaluated: 2023-12-19. Review status: criteria provided, single submitter. Criteria: Ambry Variant Classification Scheme 2023. Collection method: clinical testing. Allele origin: germline.

NM_001355436.2(SPTB):c.5689A>G (p.Thr1897Ala)

Gene: SPTB (spectrin beta, erythrocytic; minus strand). Cytogenetic location: 14q23.3.
Variant type: single nucleotide variant.
Coding change: c.5689A>G on transcript NM_001355436.2 (MANE Select); coding-DNA position 5689, A replaced by G.
Protein change: p.Thr1897Ala; replaces threonine 1897 with alanine.
Molecular consequence: missense variant.
Genome position (GRCh38, 1-based): chr14:64,770,994, T>C on the plus strand (A>G on the coding strand, the complement: SPTB is on the minus strand). VCF-style: chr14-64770994-T-C. GRCh37 (hg19) VCF-style: chr14-65237712-T-C.
Other names: NM_000347.5:c.5689A>G; c.5689A>G, p.Thr1897Ala (NM_001024858.4, NM_001355437.2); c.5689A>G (NM_001024858.2); short protein forms T1897A.
Identifiers: ClinVar variation 2046271 (VCV002046271.9), dbSNP rs147013623, ClinGen allele CA7229889.